The following is an entry in ClinVar:

ClinVar aggregate classification (germline): Uncertain significance (1 of 4 stars; one submission).

Conditions:
PCNT-related disorder. Also called: PCNT-related condition.

gnomAD v4.1: 1 of 1,600,942 alleles (0.000062%); highest among the groups gnomAD compares: Admixed American, 0.0017%; no homozygotes.

Submission:

PreventionGenetics, part of Exact Sciences
Classification: Uncertain significance for PCNT-related condition. Last evaluated: 2026-07-24. Review status: criteria provided, single submitter. Criteria: ACMG Guidelines, 2015. Collection method: clinical testing. Allele origin: germline.
Comment: The PCNT c.407G>A variant is predicted to result in the amino acid substitution p.Gly136Asp. To our knowledge, this variant has not been reported in the literature. This variant is reported in 0.0029% of alleles in individuals of Latino descent in gnomAD. At this time, the clinical significance of this variant is uncertain due to the absence of conclusive functional and genetic evidence.

NM_006031.6(PCNT):c.407G>A (p.Gly136Asp)

Gene: PCNT (pericentrin; plus strand). Cytogenetic location: 21q22.3.
Variant type: single nucleotide variant.
Coding change: c.407G>A on transcript NM_006031.6 (MANE Select); coding-DNA position 407, G replaced by A.
Protein change: p.Gly136Asp; replaces glycine 136 with aspartic acid.
Molecular consequence: missense variant.
Genome position (GRCh38, 1-based): chr21:46,334,536, G>A. VCF-style: chr21-46334536-G-A. GRCh37 (hg19) VCF-style: chr21-47754450-G-A.
Other names: c.53G>A, p.Gly18Asp (NM_001315529.2); short protein forms G136D, G18D.
Identifiers: ClinVar variation 5002221 (VCV005002221.1).
Genomic context (GRCh38, chr21:46,334,536, plus strand): 5'-AGTGTGGGATGTTCACAGTCAGTGACCACCCACCAGAACAGCATGGGATGTTCACAGTCG[G>A]TGACCACCCACCAGAACAGCGTGGGATGTTCACAGTCAGTGACCACCCACCAGAACAGCA-3'
Protein context (NP_006022.3, residues 126-146): PPEQHGMFTV[Gly136Asp]DHPPEQRGMF